The following is an entry in ClinVar:

NM_001371928.1(AHDC1):c.3979C>T (p.Pro1327Ser)

Gene: AHDC1 (AT-hook DNA binding motif containing 1; minus strand). Cytogenetic location: 1p36.11.
Variant type: single nucleotide variant.
Coding change: c.3979C>T on transcript NM_001371928.1 (MANE Select); coding-DNA position 3979, C replaced by T.
Protein change: p.Pro1327Ser; replaces proline 1327 with serine.
Molecular consequence: missense variant.
Genome position (GRCh38, 1-based): chr1:27,548,137, G>A on the plus strand (C>T on the coding strand, the complement: AHDC1 is on the minus strand). VCF-style: chr1-27548137-G-A. GRCh37 (hg19) VCF-style: chr1-27874648-G-A.
Other names: c.3979C>T, p.Pro1327Ser (NM_001029882.3); short protein forms P1327S.
Identifiers: ClinVar variation 4726285 (VCV004726285.1).

ClinVar aggregate classification (germline): Uncertain significance (1 of 4 stars; one submission).

Submission:

Labcorp Genetics (formerly Invitae), Labcorp
Classification: Uncertain significance. Last evaluated: 2025-09-07. Review status: criteria provided, single submitter. Criteria: Invitae Variant Classification Sherloc (09022015). Collection method: clinical testing. Allele origin: germline.
Comment: This sequence change replaces proline, which is neutral and non-polar, with serine, which is neutral and polar, at codon 1327 of the AHDC1 protein (p.Pro1327Ser). This variant is not present in population databases (gnomAD no frequency). This variant has not been reported in the literature in individuals affected with AHDC1-related conditions. An algorithm developed to predict the effect of missense changes on protein structure and function (PolyPhen-2) suggests that this variant is likely to be disruptive. In summary, the available evidence is currently insufficient to determine the role of this variant in disease. Therefore, it has been classified as a Variant of Uncertain Significance.